The following is an entry in ClinVar:

ClinVar aggregate classification (germline): Benign/Likely benign. Review status: criteria provided, multiple submitters, no conflicts (2 of 4 stars). 2 submissions from 2 submitters: Benign (1); Likely benign (1). Last evaluated 2026-01-28.

Conditions:
EP300-related disorder. Also called: EP300-related condition; EP300-related disorders.
Rubinstein-Taybi syndrome due to EP300 haploinsufficiency. Also called: EP300-Related Rubinstein-Taybi Syndrome; RUBINSTEIN-TAYBI SYNDROME 2. Identifiers: Orphanet 353284, Orphanet 783, MedGen C3150941, MONDO:0013364, OMIM 613684.

Allele frequency attached by ClinVar (database versions not stated): ExAC 0.00001; gnomAD 0.00002.
gnomAD v4.1: 6 of 1,613,612 alleles (0.00037%); highest among the groups gnomAD compares: African/African-American, 0.008%; no homozygotes.

Submissions (2):

PreventionGenetics, part of Exact Sciences
Classification: Likely benign for EP300-related condition. Last evaluated: 2026-01-28. Review status: criteria provided, single submitter. Criteria: ACMG Guidelines, 2015. Collection method: clinical testing. Allele origin: germline.
Comment: This variant is classified as likely benign based on ACMG/AMP sequence variant interpretation guidelines (Richards et al. 2015 PMID: 25741868, with internal and published modifications).

Labcorp Genetics (formerly Invitae), Labcorp
Classification: Benign for Rubinstein-Taybi syndrome due to EP300 haploinsufficiency. Last evaluated: 2024-01-25. Review status: criteria provided, single submitter. Criteria: Invitae Variant Classification Sherloc (09022015). Collection method: clinical testing. Allele origin: germline.

NM_001429.4(EP300):c.7011A>G (p.Pro2337=)

Gene: EP300 (EP300 lysine acetyltransferase; plus strand). Cytogenetic location: 22q13.2.
Variant type: single nucleotide variant.
Coding change: c.7011A>G on transcript NM_001429.4 (MANE Select); coding-DNA position 7011, A replaced by G.
Protein change: p.Pro2337=; no amino-acid change (proline 2337 retained).
Molecular consequence: synonymous variant.
Genome position (GRCh38, 1-based): chr22:41,178,722, A>G. VCF-style: chr22-41178722-A-G. GRCh37 (hg19) VCF-style: chr22-41574726-A-G.
Other names: c.6933A>G, p.Pro2311= (NM_001362843.2); c.7011A>G (NM_001429.3).
Identifiers: ClinVar variation 2733805 (VCV002733805.4), dbSNP rs374096478, ClinGen allele CA10254009.
Genomic context (GRCh38, chr22:41,178,722, plus strand): 5'-GCCACAGTCCCAGCCCCCCCACTCCAGTCCTTCCCCAAGGATGCAGCCTCAGCCTTCTCC[A>G]CACCACGTTTCCCCACAGACAAGTTCCCCACATCCTGGACTGGTAGCTGCCCAGGCCAAC-3'
Protein context (NP_001420.2, residues 2327-2347): PSPRMQPQPS[Pro2337=]HHVSPQTSSP